The following is an entry in ClinVar:

NM_014244.5(ADAMTS2):c.1615_1618del (p.Cys539fs)

Gene: ADAMTS2 (ADAM metallopeptidase with thrombospondin type 1 motif 2; minus strand). Cytogenetic location: 5q35.3.
Variant type: Microsatellite.
Coding change: c.1615_1618del on transcript NM_014244.5 (MANE Select); coding-DNA positions 1615 to 1618, 4 bases deleted (TGTG; older notation c.1615_1618delTGTG).
Protein change: p.Cys539fs; shifts the reading frame from cysteine 539.
Molecular consequence: frameshift variant.
Genome position (GRCh38, 1-based): chr5:179,152,153-179,152,156, CACA deleted on the plus strand (TGTG on the coding strand, the reverse complement: ADAMTS2 is on the minus strand); deleting any 4 consecutive bases within chr5:179,152,153-179,152,158 gives the same sequence; the c. name uses the placement nearest the transcript's 3' end. VCF-style (leftmost placement, unchanged base first): chr5-179152152-GCACA-G. GRCh37 (hg19) VCF-style: chr5-178579153-GCACA-G.
Other names: c.1615_1618del, p.Cys539fs (NM_021599.4); short protein forms C539fs.
Identifiers: ClinVar variation 4732873 (VCV004732873.1).

ClinVar aggregate classification (germline): Pathogenic (1 of 4 stars; one submission).

Conditions:
Ehlers-Danlos syndrome, dermatosparaxis type. Also called: Ehlers-Danlos syndrome, type VII, autosomal recessive; Dermatosparaxis; EDS VIIC. Identifiers: Orphanet 1901, MedGen C2700425, MONDO:0009161, OMIM 225410.

Submission:

Labcorp Genetics (formerly Invitae), Labcorp
Classification: Pathogenic for Ehlers-Danlos syndrome, dermatosparaxis type. Last evaluated: 2025-12-09. Review status: criteria provided, single submitter. Criteria: Invitae Variant Classification Sherloc (09022015). Collection method: clinical testing. Allele origin: germline.
Comment: This sequence change creates a premature translational stop signal (p.Cys539Hisfs*14) in the ADAMTS2 gene. It is expected to result in an absent or disrupted protein product. Loss-of-function variants in ADAMTS2 are known to be pathogenic (PMID: 10417273). This variant is not present in population databases (gnomAD no frequency). This variant has not been reported in the literature in individuals affected with ADAMTS2-related conditions. For these reasons, this variant has been classified as Pathogenic.

Literature cited by the submitters: PubMed 10417273.